The following is an entry in ClinVar:

NM_002528.7(NTHL1):c.-3G>T

Gene: NTHL1 (nth like DNA glycosylase 1; minus strand). Cytogenetic location: 16p13.3.
Variant type: single nucleotide variant.
Coding change: c.-3G>T on transcript NM_002528.7 (MANE Select); 3 bases upstream of the start codon, G replaced by T.
Molecular consequence: 5 prime UTR variant.
Genome position (GRCh38, 1-based): chr16:2,047,826, C>A on the plus strand (G>T on the coding strand, the complement: NTHL1 is on the minus strand). VCF-style: chr16-2047826-C-A. GRCh37 (hg19) VCF-style: chr16-2097827-C-A.
Other names: c.-3G>T (NM_001318193.2); c.-181G>T (NM_001318194.2).
Identifiers: ClinVar variation 821061 (VCV000821061.11), dbSNP rs751927624, ClinGen allele CA394298769.

ClinVar aggregate classification (germline): Uncertain significance. Review status: criteria provided, multiple submitters, no conflicts (2 of 4 stars). 2 submissions from 2 submitters: Uncertain significance (2). Last evaluated 2025-10-25.

Conditions:
Hereditary cancer-predisposing syndrome. Also called: Neoplastic Syndromes, Hereditary; Tumor predisposition; Hereditary Cancer Syndrome; Hereditary neoplastic syndrome. Identifiers: Orphanet 140162, MedGen C0027672, MeSH D009386, MONDO:0015356.

Submissions (2):

Ambry Genetics
Classification: Uncertain significance for Hereditary cancer-predisposing syndrome. Last evaluated: 2025-10-25. Review status: criteria provided, single submitter. Criteria: Ambry Variant Classification Scheme 2023. Collection method: clinical testing. Allele origin: germline.
Comment: The p.G8C variant (also known as c.22G>T), located in coding exon 1 of the NTHL1 gene, results from a G to T substitution at nucleotide position 22. The glycine at codon 8 is replaced by cysteine, an amino acid with highly dissimilar properties. This amino acid position is not well conserved in available vertebrate species. In addition, this alteration is predicted to be tolerated by in silico analysis. Since supporting evidence is limited at this time, the clinical significance of this alteration remains unclear.

Labcorp Genetics (formerly Invitae), Labcorp
Classification: Uncertain significance. Last evaluated: 2023-04-10. Review status: criteria provided, single submitter. Criteria: Invitae Variant Classification Sherloc (09022015). Collection method: clinical testing. Allele origin: germline.
Comment: In summary, the available evidence is currently insufficient to determine the role of this variant in disease. Therefore, it has been classified as a Variant of Uncertain Significance. An algorithm developed to predict the effect of missense changes on protein structure and function (PolyPhen-2) suggests that this variant is likely to be tolerated. ClinVar contains an entry for this variant (Variation ID: 821061). This variant has not been reported in the literature in individuals affected with NTHL1-related conditions. This variant is not present in population databases (gnomAD no frequency). This sequence change replaces glycine, which is neutral and non-polar, with cysteine, which is neutral and slightly polar, at codon 8 of the NTHL1 protein (p.Gly8Cys).